The following is an entry in ClinVar:

NM_005458.8(GABBR2):c.576C>A (p.His192Gln)

Gene: GABBR2 (gamma-aminobutyric acid type B receptor subunit 2; minus strand). Cytogenetic location: 9q22.33.
Variant type: single nucleotide variant.
Coding change: c.576C>A on transcript NM_005458.8 (MANE Select); coding-DNA position 576, C replaced by A.
Protein change: p.His192Gln; replaces histidine 192 with glutamine.
Molecular consequence: missense variant.
Genome position (GRCh38, 1-based): chr9:98,541,927, G>T on the plus strand (C>A on the coding strand, the complement: GABBR2 is on the minus strand). VCF-style: chr9-98541927-G-T. GRCh37 (hg19) VCF-style: chr9-101304209-G-T.
Other names: short protein forms H192Q.
Identifiers: ClinVar variation 2131986 (VCV002131986.4), dbSNP rs2490086940, ClinGen allele CA374350955.

ClinVar aggregate classification (germline): Uncertain significance (1 of 4 stars; one submission).

Conditions:
Epileptic encephalopathy. Identifiers: MedGen C0543888, HP:0200134.

gnomAD v4.1: 5 of 1,614,242 alleles (0.00031%); highest among the groups gnomAD compares: Non-Finnish European, 0.00034%; no homozygotes.

Submission:

Labcorp Genetics (formerly Invitae), Labcorp
Classification: Uncertain significance for Epileptic encephalopathy. Last evaluated: 2022-04-29. Review status: criteria provided, single submitter. Criteria: Invitae Variant Classification Sherloc (09022015). Collection method: clinical testing. Allele origin: germline.
Comment: This sequence change replaces histidine, which is basic and polar, with glutamine, which is neutral and polar, at codon 192 of the GABBR2 protein (p.His192Gln). This variant is not present in population databases (gnomAD no frequency). This variant has not been reported in the literature in individuals affected with GABBR2-related conditions. Algorithms developed to predict the effect of missense changes on protein structure and function are either unavailable or do not agree on the potential impact of this missense change (SIFT: "Deleterious"; PolyPhen-2: "Benign"; Align-GVGD: "Class C0"). In summary, the available evidence is currently insufficient to determine the role of this variant in disease. Therefore, it has been classified as a Variant of Uncertain Significance.